The following is an entry in ClinVar:

NM_000400.4(ERCC2):c.1484T>C (p.Ile495Thr)

Gene: ERCC2 (ERCC excision repair 2, TFIIH core complex helicase subunit; minus strand). Cytogenetic location: 19q13.32.
Variant type: single nucleotide variant.
Coding change: c.1484T>C on transcript NM_000400.4 (MANE Select); coding-DNA position 1484, T replaced by C.
Protein change: p.Ile495Thr; replaces isoleucine 495 with threonine.
Molecular consequence: missense variant.
Genome position (GRCh38, 1-based): chr19:45,355,724, A>G on the plus strand (T>C on the coding strand, the complement: ERCC2 is on the minus strand). VCF-style: chr19-45355724-A-G. GRCh37 (hg19) VCF-style: chr19-45858982-A-G.
Other names: short protein forms I495T.
Identifiers: ClinVar variation 1773643 (VCV001773643.4), dbSNP rs780986760, ClinGen allele CA9513250.
Genomic context (GRCh38, chr19:45,355,724, plus strand): 5'-CCAATATCCTCCCGGGTCTCAAATTTGGAGCTGATGGCCACCTGGTCATTGCCACGGCCG[A>G]TGATCTGGAGAGCAACAGAGGTCACGATAAGCGAGGCAGCAGCAACTGCTCCAGCGTGAG-3'
Protein context (NP_000391.1, residues 485-505): LARVCLCPMI[Ile495Thr]GRGNDQVAIS

ClinVar aggregate classification (germline): Uncertain significance. Review status: criteria provided, multiple submitters, no conflicts (2 of 4 stars). 2 submissions from 2 submitters: Uncertain significance (2). Last evaluated 2025-11-22.

Conditions:
Inborn genetic diseases. Identifiers: MedGen C0950123, MeSH D030342.
ERCC2-related disorder. Also called: ERCC2-related disorders; ERCC2-related conditions; ERCC2-related condition. Identifiers: MedGen CN239291.

Allele frequency attached by ClinVar (database versions not stated): gnomAD exomes 0.00001; TOPMed 0.00001; ExAC 0.00003.

Submissions (2):

PreventionGenetics, part of Exact Sciences
Classification: Uncertain significance for ERCC2-related condition. Last evaluated: 2025-11-22. Review status: criteria provided, single submitter. Criteria: ACMG Guidelines, 2015. Collection method: clinical testing. Allele origin: germline.
Comment: The ERCC2 c.1484T>C variant is predicted to result in the amino acid substitution p.Ile495Thr. To our knowledge, this variant has not been reported in the literature. This variant is reported in 0.0044% of alleles in individuals of European (Non-Finnish) descent in gnomAD. At this time, the clinical significance of this variant is uncertain due to the absence of conclusive functional and genetic evidence.

Ambry Genetics
Classification: Uncertain significance for Inborn genetic diseases. Last evaluated: 2025-10-02. Review status: criteria provided, single submitter. Criteria: Ambry Variant Classification Scheme 2023. Collection method: clinical testing. Allele origin: germline.